The following is an entry in ClinVar:

ClinVar aggregate classification (germline): Likely benign. Review status: criteria provided, single submitter (1 of 4 stars). 2 submissions from 2 submitters: Likely benign (1). 1 of the submissions does not count toward it. Last evaluated 2025-09-04.

Conditions:
NNT-related disorder. Also called: NNT-related condition.

Allele frequency attached by ClinVar (database versions not stated): gnomAD exomes 0.00012 and 0.00031; TOPMed 0.00012; ExAC 0.00013; ESP Exome Variant Server 0.00015; 1000 Genomes Project 30x 0.00016; gnomAD 0.00016; 1000 Genomes Project 0.00020.
gnomAD v4.1: 477 of 1,614,062 alleles (0.03%); highest among the groups gnomAD compares: Non-Finnish European, 0.037%; no homozygotes.

Submissions (2):

Labcorp Genetics (formerly Invitae), Labcorp
Classification: Likely benign. Last evaluated: 2025-09-04. Review status: criteria provided, single submitter. Criteria: Invitae Variant Classification Sherloc (09022015). Collection method: clinical testing. Allele origin: germline.

PreventionGenetics, part of Exact Sciences
Classification: Likely benign for NNT-related condition. Last evaluated: 2021-12-12. Review status: no assertion criteria provided. Collection method: clinical testing. Allele origin: germline. Not counted in ClinVar's aggregate classification.
Comment: This variant is classified as likely benign based on ACMG/AMP sequence variant interpretation guidelines (Richards et al. 2015 PMID: 25741868, with internal and published modifications).

NM_182977.3(NNT):c.1602C>T (p.Ile534=)

Gene: NNT (nicotinamide nucleotide transhydrogenase; plus strand). Cytogenetic location: 5p12.
Variant type: single nucleotide variant.
Coding change: c.1602C>T on transcript NM_182977.3 (MANE Select); coding-DNA position 1602, C replaced by T.
Protein change: p.Ile534=; no amino-acid change (isoleucine 534 retained).
Molecular consequence: synonymous variant.
Genome position (GRCh38, 1-based): chr5:43,649,304, C>T. VCF-style: chr5-43649304-C-T. GRCh37 (hg19) VCF-style: chr5-43649406-C-T.
Other names: c.1602C>T (NM_012343.3); c.1209C>T, p.Ile403= (NM_001331026.2); c.1602C>T, p.Ile534= (NM_012343.4).
Identifiers: ClinVar variation 1653257 (VCV001653257.10), dbSNP rs377592942, ClinGen allele CA3258012.